The following is an entry in ClinVar:

NM_000512.5(GALNS):c.1427A>C (p.Gln476Pro)

Genes: GALNS (galactosamine (N-acetyl)-6-sulfatase; minus strand), LOC126862447 (CDK7 strongly-dependent group 2 enhancer GRCh37_chr16:88884193-88885392; plus strand). Cytogenetic location: 16q24.3.
Variant type: single nucleotide variant.
Coding change: c.1427A>C on transcript NM_000512.5 (MANE Select); coding-DNA position 1427, A replaced by C.
Protein change: p.Gln476Pro; replaces glutamine 476 with proline.
Molecular consequence: missense variant.
Genome position (GRCh38, 1-based): chr16:88,818,062, T>G on the plus strand (A>C on the coding strand, the complement: GALNS is on the minus strand). VCF-style: chr16-88818062-T-G. GRCh37 (hg19) VCF-style: chr16-88884470-T-G.
Other names: c.872A>C, p.Gln291Pro (NM_001323543.2); c.1445A>C, p.Gln482Pro (NM_001323544.2); short protein forms Q291P, Q476P, Q482P.
Identifiers: ClinVar variation 1048239 (VCV001048239.3), dbSNP rs1597524240, ClinGen allele CA397094355.

ClinVar aggregate classification (germline): Uncertain significance (1 of 4 stars; one submission).

Conditions:
Mucopolysaccharidosis, MPS-IV-A (MPS4A). Also called: Mucopolysaccharidosis type IV A; Mucopolysaccharidosis Type IVA; Morquio syndrome A, mild; MORQUIO SYNDROME A; MPS IVA; mucopolysaccharidosis type 4A. Identifiers: Orphanet 309297, Orphanet 582, MedGen C0086651, MONDO:0009659, OMIM 253000.

Submission:

Laboratory of Diagnosis and Therapy of Lysosomal Disorders, University of Padova
Classification: Uncertain significance for Mucopolysaccharidosis, MPS-IV-A. Last evaluated: 2021-02-01. Review status: criteria provided, single submitter. Criteria: ACMG Guidelines, 2015. Collection method: curation. Allele origin: germline. Affected: yes.
Comment: Absent from gnomAD v2.1.1 (PM2_moderate); multiple lines of computational evidence suggest no impact on gene or gene product (BP4_supporting)

Literature cited by the submitters: PubMed 30927141; PubMed 34387910.